The following is an entry in ClinVar:

ClinVar aggregate classification (germline): Likely benign. Review status: reviewed by expert panel (3 of 4 stars). 14 submissions from 14 submitters: Likely benign (1). 13 of the submissions do not count toward it. Last evaluated 2017-06-29.

Conditions:
Hereditary cancer-predisposing syndrome. Also called: Tumor predisposition; Hereditary neoplastic syndrome; Hereditary Cancer Syndrome; Neoplastic Syndromes, Hereditary. Identifiers: Orphanet 140162, MedGen C0027672, MeSH D009386, MONDO:0015356.
Hereditary breast ovarian cancer syndrome. Also called: Hereditary breast and/or ovarian cancer syndrome; Breast and ovarian cancer; Hereditary breast and ovarian cancer syndrome; Hereditary breast and ovarian cancer; Hereditary breast and ovarian cancer syndrome (HBOC); BRCA1- and BRCA2-Associated Hereditary Breast and Ovarian Cancer. Identifiers: Orphanet 145, MedGen C0677776, MeSH D061325, MONDO:0003582. Disease mechanism: loss of function.
Breast-ovarian cancer, familial, susceptibility to, 1 (BROVCA1). Also called: BRCA1 Hereditary Breast and Ovarian Cancer; OVARIAN CANCER, SUSCEPTIBILITY TO. Identifiers: Orphanet 145, MedGen C2676676, MONDO:0011450, OMIM 604370. Disease mechanism: loss of function.
Malignant tumor of breast. Also called: Malignant breast neoplasm; Cancer breast. Identifiers: MedGen C0006142, MONDO:0007254. Disease mechanism: loss of function.

Allele frequency attached by ClinVar (database versions not stated): ExAC 0.00002; gnomAD exomes 0.00002 and 0.00007; gnomAD 0.00004 and 0.00005; TOPMed 0.00006.
gnomAD v4.1: 116 of 1,613,948 alleles (0.0072%); highest among the groups gnomAD compares: Non-Finnish European, 0.0093%; no homozygotes.

Submissions (14):

Evidence-based Network for the Interpretation of Germline Mutant Alleles (ENIGMA)
Classification: Likely benign for Breast-ovarian cancer, familial, susceptibility to, 1. Last evaluated: 2017-06-29. Review status: reviewed by expert panel. Criteria: ENIGMA BRCA1/2 Classification Criteria (2017-06-29). Collection method: curation. Allele origin: germline.
Comment: Synonymous substitution variant, with low bioinformatic likelihood to result in a splicing aberration (Splicing prior probability 0.02).

Labcorp Genetics (formerly Invitae), Labcorp
Classification: Likely benign for Hereditary breast ovarian cancer syndrome. Last evaluated: 2026-01-26. Review status: criteria provided, single submitter. Criteria: Invitae Variant Classification Sherloc (09022015). Collection method: clinical testing. Allele origin: germline. Not counted in ClinVar's aggregate classification.

Center for Genomic Medicine, Rigshospitalet, Copenhagen University Hospital
Classification: Likely benign. Last evaluated: 2025-12-29. Review status: criteria provided, single submitter. Criteria: ACMG Guidelines, 2015. Collection method: clinical testing. Allele origin: germline. Not counted in ClinVar's aggregate classification.

All of Us Research Program, National Institutes of Health
Classification: Likely benign for Breast-ovarian cancer, familial, susceptibility to, 1. Last evaluated: 2023-11-30. Review status: criteria provided, single submitter. Criteria: ACMG Guidelines, 2015. Collection method: clinical testing. Allele origin: germline. Inheritance: Autosomal dominant inheritance. Observed: 10 variant alleles, 10 heterozygotes. Not counted in ClinVar's aggregate classification.
Comment: This study involves interpretation of variants in research participants for the purpose of population health screening. Participant phenotype was not available at the time of variant classification. Additional details can be found in publication PMID: 35346344, PMCID: PMC8962531

Blueprint Genetics
Classification: Likely benign. Last evaluated: 2022-07-14. Review status: criteria provided, single submitter. Criteria: ACMG Guidelines, 2015. Collection method: clinical testing. Allele origin: germline. Not counted in ClinVar's aggregate classification.

Sema4
Classification: Likely benign for Hereditary cancer-predisposing syndrome. Last evaluated: 2021-07-27. Review status: criteria provided, single submitter. Criteria: Sema4 Curation Guidelines. Collection method: curation. Allele origin: germline. Not counted in ClinVar's aggregate classification.

ARUP Laboratories, Molecular Genetics and Genomics, ARUP Laboratories
Classification: Likely benign. Last evaluated: 2019-12-12. Review status: criteria provided, single submitter. Criteria: ARUP Molecular Germline Variant Investigation Process. Collection method: clinical testing. Allele origin: germline. Not counted in ClinVar's aggregate classification.

Color Diagnostics, LLC DBA Color Health
Classification: Likely benign for Hereditary cancer-predisposing syndrome. Last evaluated: 2017-09-24. Review status: criteria provided, single submitter. Criteria: ACMG Guidelines, 2015. Collection method: clinical testing. Allele origin: germline. Not counted in ClinVar's aggregate classification.

Women's Health and Genetics/Laboratory Corporation of America, LabCorp
Classification: Likely benign. Last evaluated: 2017-01-18. Review status: criteria provided, single submitter. Criteria: LabCorp Variant Classification Summary - May 2015. Collection method: clinical testing. Allele origin: germline. Not counted in ClinVar's aggregate classification.
Comment: Variant summary: The BRCA1 c.4653T>C (p.Ser1551Ser) variant involves the alteration of a non-conserved nucleotide, resulting in a synonymous change. One in silico tool predicts a benign outcome for this variant. 5/5 splice prediction tools predict no significant impact on normal splicing, which is supported by the minigene-based splicing assay results in Houdayer et al 2012. This variant was found in 3/121366 control chromosomes at a frequency of 0.0000247, which does not exceed the estimated maximal expected allele frequency of a pathogenic BRCA1 variant (0.0010005). In addition, multiple clinical diagnostic laboratories/reputable databases classified this variant as benign. Taken together, this variant is classified as likely benign.

Ambry Genetics
Classification: Likely benign for Hereditary cancer-predisposing syndrome. Last evaluated: 2015-03-02. Review status: criteria provided, single submitter. Criteria: Ambry Variant Classification Scheme 2023. Collection method: clinical testing. Allele origin: germline. Not counted in ClinVar's aggregate classification.

Molecular Genetics Laboratory, University of Michigan
Classification: Benign for Breast-ovarian cancer, familial, susceptibility to, 1. Last evaluated: 2014-11-03. Review status: criteria provided, single submitter. Criteria: ACMG Guidelines, 2015. Collection method: clinical testing. Allele origin: germline. Affected: yes. Not counted in ClinVar's aggregate classification.

GeneDx
Classification: Benign. Last evaluated: 2014-02-03. Review status: criteria provided, single submitter. Criteria: GeneDx Variant Classification (06012015). Collection method: clinical testing. Allele origin: germline. Affected: yes. Not counted in ClinVar's aggregate classification.
Comment: This variant is considered likely benign or benign based on one or more of the following criteria: it is a conservative change, it occurs at a poorly conserved position in the protein, it is predicted to be benign by multiple in silico algorithms, and/or has population frequency not consistent with disease.

Counsyl
Classification: Likely benign for Breast-ovarian cancer, familial, susceptibility to, 1. Last evaluated: 2016-09-11. Review status: no assertion criteria provided. Collection method: clinical testing. Allele origin: unknown. Not counted in ClinVar's aggregate classification.

Department of Pathology and Laboratory Medicine, Sinai Health System
Classification: Likely benign for Malignant tumor of breast. Review status: no assertion criteria provided. Collection method: clinical testing. Allele origin: unknown. Affected: yes. Study: The Canadian Open Genetics Repository (COGR). Not counted in ClinVar's aggregate classification.
Comment: The BRCA1 p.Ser1551= variant was identified in the literature; however the frequency of this variant in an affected population was not provided (Houdayer 2012, Judkins 2005). The variant was also identified in dbSNP (ID: rs587780863) as With Likely benign allele, ClinVar (as likely benign by ENIGMA, Color, Integrated Genetics, Ambry Genetics, Invitae, and Counsyl; and as benign by GeneDx and Michican Medical Genetics Laboratories), LOVD 3.0 (as benign and as VUS). The variant was identified in control databases in 7 of 277012 chromosomes at a frequency of 0.00003 (Genome Aggregation Database Feb 27, 2017). The variant was observed in the European (Non-Finnish) population in 7 of 126516 chromosomes (freq: 0.000055), while the variant was not observed in the African, Other, Latino, Ashkenazi Jewish, East Asian, European Finnish, or South Asian populations. The p.Ser1551= variant is not expected to have clinical significance because it does not result in a change of amino acid and is not located in a known consensus splice site. In addition, in silico or computational prediction software programs (SpliceSiteFinder, MaxEntScan, NNSPLICE, GeneSplicer) do not predict a difference in splicing. In summary, based on the above information, the clinical significance of this variant cannot be determined with certainty at this time although we would lean towards a more benign role for this variant. This variant is classified as likely benign.

Literature cited by the submitters: PubMed 16267036 (cited by Women's Health and Genetics/Laboratory Corporation of America, LabCorp and Counsyl); PubMed 22505045 (cited by Women's Health and Genetics/Laboratory Corporation of America, LabCorp and Counsyl).

NM_007294.4(BRCA1):c.4653T>C (p.Ser1551=)

Gene: BRCA1 (BRCA1 DNA repair associated; minus strand). Cytogenetic location: 17q21.31.
Variant type: single nucleotide variant.
Coding change: c.4653T>C on transcript NM_007294.4 (MANE Select); coding-DNA position 4653, T replaced by C.
Protein change: p.Ser1551=; no amino-acid change (serine 1551 retained).
Molecular consequence: synonymous variant. On other transcripts: intron variant (3).
Genome position (GRCh38, 1-based): chr17:43,074,353, A>G on the plus strand (T>C on the coding strand, the complement: BRCA1 is on the minus strand). VCF-style: chr17-43074353-A-G. GRCh37 (hg19) VCF-style: chr17-41226370-A-G.
Other names: p.S1551S:TCT>TCC; c.4440T>C, p.Ser1480= (NM_001407571.1, NM_001407894.1, NM_001407895.1 and 12 more transcripts); c.4719T>C, p.Ser1573= (NM_001407581.1, NM_001407582.1); c.4716T>C, p.Ser1572= (NM_001407583.1, NM_001407585.1, NM_001407587.1 and 1 more transcripts); c.4713T>C, p.Ser1571= (NM_001407590.1, NM_001407591.1); c.4653T>C, p.Ser1551= (NM_001407593.1, NM_001407594.1, NM_001407596.1 and 8 more transcripts); c.4650T>C, p.Ser1550= (NM_001407610.1, NM_001407611.1, NM_001407612.1 and 17 more transcripts); c.1224T>C, p.Ser408= (NM_001408423.1, NM_001408424.1, NM_001408421.1 and 1 more transcripts); and 72 more.
Identifiers: ClinVar variation 136549 (VCV000136549.33), dbSNP rs587780863, ClinGen allele CA002949.